The following is an entry in ClinVar:

NM_000552.5(VWF):c.3494G>A (p.Cys1165Tyr)

Gene: VWF (von Willebrand factor; minus strand). Cytogenetic location: 12p13.31.
Variant type: single nucleotide variant.
Coding change: c.3494G>A on transcript NM_000552.5 (MANE Select); coding-DNA position 3494, G replaced by A.
Protein change: p.Cys1165Tyr; replaces cysteine 1165 with tyrosine.
Molecular consequence: missense variant.
Genome position (GRCh38, 1-based): chr12:6,022,784, C>T on the plus strand (G>A on the coding strand, the complement: VWF is on the minus strand). VCF-style: chr12-6022784-C-T. GRCh37 (hg19) VCF-style: chr12-6131950-C-T.
Other names: short protein forms C1165Y.
Identifiers: ClinVar variation 3572164 (VCV003572164.1).
Genomic context (GRCh38, chr12:6,022,784, plus strand): 5'-GGGATAGAGGCCTCACCTGGAGGGCAGTGGGCATGGCAGCCCTCCACACACTGCACAGGG[C>T]AGGCCAGTGGCTCAGGGTGCTGACACGTGACTTGACAGGCAGGTGCACAGCTGTTATAGC-3'
Protein context (NP_000543.3, residues 1155-1175): VTCQHPEPLA[Cys1165Tyr]PVQCVEGCHA

ClinVar aggregate classification (germline): Uncertain significance (1 of 4 stars; one submission).

Submission:

Quest Diagnostics Nichols Institute San Juan Capistrano
Classification: Uncertain significance. Last evaluated: 2024-07-02. Review status: criteria provided, single submitter. Criteria: Quest Diagnostics criteria. Collection method: clinical testing. Allele origin: unknown.
Comment: The VWF c.3494G>A (p.Cys1165Tyr) variant has not been reported in individuals with VWF-related conditions in the published literature. It also has not been reported in large, multi-ethnic general populations (Genome Aggregation Database). Analysis of this variant using bioinformatics tools for the prediction of the effect of amino acid changes on protein structure and function yielded predictions that this variant is damaging. Based on the available information, we are unable to determine the clinical significance of this variant.